The following is an entry in ClinVar:

ClinVar aggregate classification (germline): Likely benign (0 of 4 stars; one submission).

Conditions:
NRP2-related disorder. Also called: NRP2-related condition.

Allele frequency attached by ClinVar (database versions not stated): 1000 Genomes Project 30x 0.00016; TOPMed 0.00019; 1000 Genomes Project 0.00020; ESP Exome Variant Server 0.00023; gnomAD exomes 0.00025; ExAC 0.00030; gnomAD 0.00033.
gnomAD v4.1: 421 of 1,614,220 alleles (0.026%); highest among the groups gnomAD compares: Non-Finnish European, 0.031%; no homozygotes.

Submission:

PreventionGenetics, part of Exact Sciences
Classification: Likely benign for NRP2-related condition. Last evaluated: 2021-08-09. Review status: no assertion criteria provided. Collection method: clinical testing. Allele origin: germline.
Comment: This variant is classified as likely benign based on ACMG/AMP sequence variant interpretation guidelines (Richards et al. 2015 PMID: 25741868, with internal and published modifications).

NM_003872.3(NRP2):c.1563G>A (p.Val521=)

Gene: NRP2 (neuropilin 2; plus strand). Cytogenetic location: 2q33.3.
Variant type: single nucleotide variant.
Coding change: c.1563G>A on transcript NM_003872.3 (MANE Select); coding-DNA position 1563, G replaced by A.
Protein change: p.Val521=; no amino-acid change (valine 521 retained).
Molecular consequence: synonymous variant.
Genome position (GRCh38, 1-based): chr2:205,743,474, G>A. VCF-style: chr2-205743474-G-A. GRCh37 (hg19) VCF-style: chr2-206608198-G-A.
Other names: c.1563G>A, p.Val521= (NM_018534.4, NM_201264.2, NM_201266.2 and 2 more transcripts).
Identifiers: ClinVar variation 3048569 (VCV003048569.2), dbSNP rs138817280, ClinGen allele CA2069126.